The following is an entry in ClinVar:

ClinVar aggregate classification (germline): Uncertain significance (1 of 4 stars; one submission).

Submission:

CeGaT Center for Human Genetics Tuebingen
Classification: Uncertain significance. Last evaluated: 2026-03-01. Review status: criteria provided, single submitter. Criteria: CeGaT Center For Human Genetics Tuebingen Variant Classification Criteria Version 2. Collection method: clinical testing. Allele origin: germline. Affected: yes. Observed: 1 variant allele.
Comment: ASH1L: PM2

NM_018489.3(ASH1L):c.7445T>C (p.Ile2482Thr)

Gene: ASH1L (ASH1 like histone lysine methyltransferase; minus strand). Cytogenetic location: 1q22.
Variant type: single nucleotide variant.
Coding change: c.7445T>C on transcript NM_018489.3 (MANE Select); coding-DNA position 7445, T replaced by C.
Protein change: p.Ile2482Thr; replaces isoleucine 2482 with threonine.
Molecular consequence: missense variant.
Genome position (GRCh38, 1-based): chr1:155,349,436, A>G on the plus strand (T>C on the coding strand, the complement: ASH1L is on the minus strand). VCF-style: chr1-155349436-A-G. GRCh37 (hg19) VCF-style: chr1-155319227-A-G.
Other names: c.7460T>C, p.Ile2487Thr (NM_001366177.2); short protein forms I2482T, I2487T.
Identifiers: ClinVar variation 4823542 (VCV004823542.4).